The following is an entry in ClinVar:

NM_018136.5(ASPM):c.4066-32T>C

Gene: ASPM (assembly factor for spindle microtubules; minus strand). Cytogenetic location: 1q31.3.
Variant type: single nucleotide variant.
Coding change: c.4066-32T>C on transcript NM_018136.5 (MANE Select); 32 bases into the intron before coding-DNA position 4066, T replaced by C.
Molecular consequence: intron variant.
Genome position (GRCh38, 1-based): chr1:197,105,217, A>G on the plus strand (T>C on the coding strand, the complement: ASPM is on the minus strand). VCF-style: chr1-197105217-A-G. GRCh37 (hg19) VCF-style: chr1-197074347-A-G.
Other names: c.4066-9053T>C (NM_001206846.2).
Identifiers: ClinVar variation 1338327 (VCV001338327.7), dbSNP rs143351980, ClinGen allele CA1309993.

ClinVar aggregate classification (germline): Likely benign. Review status: criteria provided, multiple submitters, no conflicts (2 of 4 stars). 3 submissions from 3 submitters: Likely benign (3). Last evaluated 2023-04-11.

Conditions:
Microcephaly 5, primary, autosomal recessive (MCPH5). Also called: ASPM Primary Microcephaly. Identifiers: Orphanet 2512, MedGen C1837501, MONDO:0012106, OMIM 608716.

Allele frequency attached by ClinVar (database versions not stated): gnomAD 0.00012 and 0.00020; gnomAD exomes 0.00032 and 0.00051; TOPMed 0.00036; ExAC 0.00054; 1000 Genomes Project 30x 0.00078; 1000 Genomes Project 0.00100.
gnomAD v4.1: 497 of 1,506,304 alleles (0.033%); highest among the groups gnomAD compares: East Asian, 0.94%; 4 homozygotes.

Submissions (3):

Genome-Nilou Lab
Classification: Likely benign for Microcephaly 5, primary, autosomal recessive. Last evaluated: 2023-04-11. Review status: criteria provided, single submitter. Criteria: ACMG Guidelines, 2015. Collection method: clinical testing. Allele origin: germline. Affected: no.

GeneDx
Classification: Likely benign. Last evaluated: 2021-10-23. Review status: criteria provided, single submitter. Criteria: GeneDx Variant Classification Process June 2021. Collection method: clinical testing. Allele origin: germline. Affected: yes.
Comment: See Variant Classification Assertion Criteria.

Genetic Services Laboratory, University of Chicago
Classification: Likely benign. Last evaluated: 2017-10-02. Review status: criteria provided, single submitter. Criteria: ACMG Guidelines, 2015. Collection method: clinical testing. Allele origin: germline. Affected: no.